The following is an entry in ClinVar:

NM_003072.5(SMARCA4):c.4722G>T (p.Glu1574Asp)

Gene: SMARCA4 (SWI/SNF related BAF chromatin remodeling complex subunit ATPase 4; plus strand). Cytogenetic location: 19p13.2.
Variant type: single nucleotide variant.
Coding change: c.4722G>T on transcript NM_003072.5 (MANE Select); coding-DNA position 4722, G replaced by T.
Protein change: p.Glu1574Asp; replaces glutamic acid 1574 with aspartic acid.
Molecular consequence: missense variant. On other transcripts: non-coding transcript variant (1).
Genome position (GRCh38, 1-based): chr19:11,059,839, G>T. VCF-style: chr19-11059839-G-T. GRCh37 (hg19) VCF-style: chr19-11170515-G-T.
Other names: c.4623G>T, p.Glu1541Asp (NM_001128847.4, NM_001374457.1); c.4620G>T, p.Glu1540Asp (NM_001128848.2); c.4818G>T, p.Glu1606Asp (NM_001128849.3, NM_001387283.1); c.4719G>T, p.Glu1573Asp (NM_001411150.1); c.4722G>T, p.Glu1574Asp (NM_001128844.3); c.4632G>T, p.Glu1544Asp (NM_001128845.2); c.4629G>T, p.Glu1543Asp (NM_001128846.2); short protein forms E1540D, E1544D, E1606D, E1574D, E1541D, E1543D, E1573D.
Identifiers: ClinVar variation 3958489 (VCV003958489.1).

ClinVar aggregate classification (germline): Uncertain significance (1 of 4 stars; one submission).

Conditions:
Hereditary cancer-predisposing syndrome. Also called: Tumor predisposition; Hereditary neoplastic syndrome; Hereditary Cancer Syndrome; Neoplastic Syndromes, Hereditary. Identifiers: Orphanet 140162, MedGen C0027672, MeSH D009386, MONDO:0015356.

Submission:

Ambry Genetics
Classification: Uncertain significance for Hereditary cancer-predisposing syndrome. Last evaluated: 2025-06-12. Review status: criteria provided, single submitter. Criteria: Ambry Variant Classification Scheme 2023. Collection method: clinical testing. Allele origin: germline.
Comment: The p.E1606D variant (also known as c.4818G>T), located in coding exon 33 of the SMARCA4 gene, results from a G to T substitution at nucleotide position 4818. The glutamic acid at codon 1606 is replaced by aspartic acid, an amino acid with highly similar properties. This amino acid position is conserved. In addition, this alteration is predicted to be tolerated by in silico analysis. Based on the available evidence, the clinical significance of this variant remains unclear.